The following is an entry in ClinVar:

NM_001134407.3(GRIN2A):c.*6941C>T

Gene: GRIN2A (glutamate ionotropic receptor NMDA type subunit 2A; minus strand). Cytogenetic location: 16p13.2.
Variant type: single nucleotide variant.
Coding change: c.*6941C>T on transcript NM_001134407.3 (MANE Select); 6941 bases downstream of the stop codon, C replaced by T.
Molecular consequence: 3 prime UTR variant.
Genome position (GRCh38, 1-based): chr16:9,756,208, G>A on the plus strand (C>T on the coding strand, the complement: GRIN2A is on the minus strand). VCF-style: chr16-9756208-G-A. GRCh37 (hg19) VCF-style: chr16-9850065-G-A.
Other names: c.*6941C>T (NM_000833.5); c.*7147C>T (NM_001134408.2).
Identifiers: ClinVar variation 321494 (VCV000321494.5), dbSNP rs181271617, ClinGen allele CA10648456.

ClinVar aggregate classification (germline): Benign (1 of 4 stars; one submission).

Conditions:
Landau-Kleffner syndrome (FESD). Also called: EPILEPSY, FOCAL, WITH SPEECH DISORDER AND WITH OR WITHOUT MENTAL RETARDATION; APHASIA, ACQUIRED, WITH EPILEPSY. Identifiers: Orphanet 1945, Orphanet 725, Orphanet 98818, MedGen C0282512, MONDO:0009509, OMIM 245570.

Allele frequency attached by ClinVar (database versions not stated): gnomAD exomes 0.00046; gnomAD 0.00489 and 0.00461; 1000 Genomes Project 30x 0.00109; TOPMed 0.00039; 1000 Genomes Project 0.00120.
gnomAD v4.1: 724 of 227,454 alleles (0.32%); highest among the groups gnomAD compares: Non-Finnish European, 0.097%; 25 homozygotes.

Submission:

Illumina Laboratory Services, Illumina
Classification: Benign for Landau-Kleffner syndrome. Last evaluated: 2018-01-13. Review status: criteria provided, single submitter. Criteria: ICSL Variant Classification Criteria 13 December 2019. Collection method: clinical testing. Allele origin: germline.
Comment: This variant was observed in the ICSL laboratory as part of a predisposition screen in an ostensibly healthy population. It had not been previously curated by ICSL or reported in the Human Gene Mutation Database (HGMD: prior to June 1st, 2018), and was therefore a candidate for classification through an automated scoring system. Utilizing variant allele frequency, disease prevalence and penetrance estimates, and inheritance mode, an automated score was calculated to assess if this variant is too frequent to cause the disease. Based on the score and internal cut-off values, a variant classified as benign is not then subjected to further curation. The score for this variant resulted in a classification of benign for this disease.